The following is an entry in ClinVar:

ClinVar aggregate classification (germline): Likely benign (0 of 4 stars; one submission).

Conditions:
EPPK1-related disorder. Also called: EPPK1-related condition.

Allele frequency attached by ClinVar (database versions not stated): TOPMed 0.00013; gnomAD 0.00021; ExAC 0.00091; 1000 Genomes Project 30x 0.00141; 1000 Genomes Project 0.00180.
gnomAD v4.1: 532 of 1,613,696 alleles (0.033%); highest among the groups gnomAD compares: South Asian, 0.44%; 3 homozygotes.

Submission:

PreventionGenetics, part of Exact Sciences
Classification: Likely benign for EPPK1-related condition. Last evaluated: 2021-10-28. Review status: no assertion criteria provided. Collection method: clinical testing. Allele origin: germline.
Comment: This variant is classified as likely benign based on ACMG/AMP sequence variant interpretation guidelines (Richards et al. 2015 PMID: 25741868, with internal and published modifications).

NM_031308.4(EPPK1):c.5214G>A (p.Thr1738=)

Gene: EPPK1 (epiplakin 1; minus strand). Cytogenetic location: 8q24.3.
Variant type: single nucleotide variant.
Coding change: c.5214G>A on transcript NM_031308.4 (MANE Select); coding-DNA position 5214, G replaced by A.
Protein change: p.Thr1738=; no amino-acid change (threonine 1738 retained).
Molecular consequence: synonymous variant.
Genome position (GRCh38, 1-based): chr8:143,868,040, C>T on the plus strand (G>A on the coding strand, the complement: EPPK1 is on the minus strand). VCF-style: chr8-143868040-C-T. GRCh37 (hg19) VCF-style: chr8-144942208-C-T.
Identifiers: ClinVar variation 3051407 (VCV003051407.2), dbSNP rs576530179, ClinGen allele CA4922199.